The following is an entry in ClinVar:

NM_198253.3(TERT):c.689G>A (p.Arg230Gln)

Gene: TERT (telomerase reverse transcriptase; minus strand). Cytogenetic location: 5p15.33.
Variant type: single nucleotide variant.
Coding change: c.689G>A on transcript NM_198253.3 (MANE Select); coding-DNA position 689, G replaced by A.
Protein change: p.Arg230Gln; replaces arginine 230 with glutamine.
Molecular consequence: missense variant. On other transcripts: non-coding transcript variant (2).
Genome position (GRCh38, 1-based): chr5:1,294,197, C>T on the plus strand (G>A on the coding strand, the complement: TERT is on the minus strand). VCF-style: chr5-1294197-C-T. GRCh37 (hg19) VCF-style: chr5-1294312-C-T.
Other names: c.689G>A, p.Arg230Gln (NM_001193376.3); c.689G>A (NM_198253.2); short protein forms R230Q.
Identifiers: ClinVar variation 1026118 (VCV001026118.9), dbSNP rs957794083, ClinGen allele CA112915110.

ClinVar aggregate classification (germline): Uncertain significance. Review status: criteria provided, multiple submitters, no conflicts (2 of 4 stars). 3 submissions from 3 submitters: Uncertain significance (3). Last evaluated 2023-08-04.

Conditions:
Idiopathic Pulmonary Fibrosis. Also called: Idiopathic fibrosing alveolitis, chronic form; idiopathic fibrosing alveolitis. Identifiers: Orphanet 2032, MedGen C1800706, MeSH D054990, MONDO:0800504.
Dyskeratosis congenita, autosomal dominant 2. Identifiers: MedGen C3151443, MONDO:0013521, OMIM 613989.
Dyskeratosis congenita. Identifiers: Orphanet 1775, MedGen C0265965, MONDO:0015780.

Allele frequency attached by ClinVar (database versions not stated): gnomAD exomes below 0.00001; gnomAD 0.00001; TOPMed 0.00002.
gnomAD v4.1: 7 of 1,581,274 alleles (0.00044%); highest among the groups gnomAD compares: African/African-American, 0.0027%; no homozygotes.

Submissions (3):

GeneDx
Classification: Uncertain significance. Last evaluated: 2023-08-04. Review status: criteria provided, single submitter. Criteria: GeneDx Variant Classification Process June 2021. Collection method: clinical testing. Allele origin: germline. Affected: yes.
Comment: Not observed at significant frequency in large population cohorts (gnomAD); In silico analysis supports that this missense variant does not alter protein structure/function; Has not been previously published as pathogenic or benign to our knowledge

Ambry Genetics
Classification: Uncertain significance for Dyskeratosis congenita. Last evaluated: 2023-01-21. Review status: criteria provided, single submitter. Criteria: Ambry Variant Classification Scheme 2023. Collection method: clinical testing. Allele origin: germline.
Comment: The p.R230Q variant (also known as c.689G>A), located in coding exon 2 of the TERT gene, results from a G to A substitution at nucleotide position 689. The arginine at codon 230 is replaced by glutamine, an amino acid with highly similar properties. This amino acid position is conserved. In addition, this alteration is predicted to be tolerated by in silico analysis. Since supporting evidence is limited at this time, the clinical significance of this alteration remains unclear.

Labcorp Genetics (formerly Invitae), Labcorp
Classification: Uncertain significance for Dyskeratosis congenita, autosomal dominant 2; Idiopathic Pulmonary Fibrosis. Last evaluated: 2021-09-02. Review status: criteria provided, single submitter. Criteria: Invitae Variant Classification Sherloc (09022015). Collection method: clinical testing. Allele origin: germline.
Comment: This sequence change replaces arginine with glutamine at codon 230 of the TERT protein (p.Arg230Gln). The arginine residue is weakly conserved and there is a small physicochemical difference between arginine and glutamine. This variant is not present in population databases (ExAC no frequency). This variant has not been reported in the literature in individuals affected with TERT-related conditions. Advanced modeling of protein sequence and biophysical properties (such as structural, functional, and spatial information, amino acid conservation, physicochemical variation, residue mobility, and thermodynamic stability) performed at Invitae indicates that this missense variant is not expected to disrupt TERT protein function. In summary, the available evidence is currently insufficient to determine the role of this variant in disease. Therefore, it has been classified as a Variant of Uncertain Significance.